The following is an entry in ClinVar:

ClinVar aggregate classification (germline): Uncertain significance. Review status: criteria provided, multiple submitters, no conflicts (2 of 4 stars). 3 submissions from 3 submitters: Uncertain significance (3). Last evaluated 2023-06-29.

Conditions:
Hereditary cancer-predisposing syndrome. Also called: Neoplastic Syndromes, Hereditary; Tumor predisposition; Hereditary Cancer Syndrome; Hereditary neoplastic syndrome. Identifiers: Orphanet 140162, MedGen C0027672, MeSH D009386, MONDO:0015356.

Allele frequency attached by ClinVar (database versions not stated): gnomAD exomes below 0.00001.
gnomAD v4.1: 1 of 1,607,980 alleles (0.000062%); highest among the groups gnomAD compares: Non-Finnish European, 0.000085%; no homozygotes.

Submissions (3):

Labcorp Genetics (formerly Invitae), Labcorp
Classification: Uncertain significance for Hereditary cancer-predisposing syndrome. Last evaluated: 2023-06-29. Review status: criteria provided, single submitter. Criteria: Invitae Variant Classification Sherloc (09022015). Collection method: clinical testing. Allele origin: germline.
Comment: In summary, the available evidence is currently insufficient to determine the role of this variant in disease. Therefore, it has been classified as a Variant of Uncertain Significance. Algorithms developed to predict the effect of sequence changes on RNA splicing suggest that this variant may disrupt the consensus splice site. Advanced modeling of protein sequence and biophysical properties (such as structural, functional, and spatial information, amino acid conservation, physicochemical variation, residue mobility, and thermodynamic stability) performed at Invitae indicates that this missense variant is expected to disrupt RAD50 protein function. ClinVar contains an entry for this variant (Variation ID: 819748). This variant has not been reported in the literature in individuals affected with RAD50-related conditions. This variant is not present in population databases (gnomAD no frequency). This sequence change replaces glycine, which is neutral and non-polar, with alanine, which is neutral and non-polar, at codon 55 of the RAD50 protein (p.Gly55Ala).

Ambry Genetics
Classification: Uncertain significance for Hereditary cancer-predisposing syndrome. Last evaluated: 2022-11-04. Review status: criteria provided, single submitter. Criteria: Ambry Variant Classification Scheme 2023. Collection method: clinical testing. Allele origin: germline.
Comment: The p.G55A variant (also known as c.164G>C), located in coding exon 2 of the RAD50 gene, results from a G to C substitution at nucleotide position 164. The glycine at codon 55 is replaced by alanine, an amino acid with similar properties. This amino acid position is highly conserved in available vertebrate species. In addition, this alteration is predicted to be deleterious by in silico analysis. Since supporting evidence is limited at this time, the clinical significance of this alteration remains unclear.

Blueprint Genetics
Classification: Uncertain significance. Last evaluated: 2022-10-31. Review status: criteria provided, single submitter. Criteria: ACMG Guidelines, 2015. Collection method: clinical testing. Allele origin: germline.

NM_005732.4(RAD50):c.164G>C (p.Gly55Ala)

Gene: RAD50 (RAD50 double strand break repair protein; plus strand). Cytogenetic location: 5q31.1.
Variant type: single nucleotide variant.
Coding change: c.164G>C on transcript NM_005732.4 (MANE Select); coding-DNA position 164, G replaced by C.
Protein change: p.Gly55Ala; replaces glycine 55 with alanine.
Molecular consequence: missense variant.
Genome position (GRCh38, 1-based): chr5:132,559,318, G>C. VCF-style: chr5-132559318-G-C. GRCh37 (hg19) VCF-style: chr5-131895010-G-C.
Other names: short protein forms G55A.
Identifiers: ClinVar variation 819748 (VCV000819748.9), dbSNP rs1580976205, ClinGen allele CA360953408.
Genomic context (GRCh38, chr5:132,559,318, plus strand): 5'-AATAATGTAATTTTCTATTTCTTTAGACCATCATTGAATGTCTAAAATATATTTGTACTG[G>C]AGATTTCCCTCCTGGAACCAAAGGAAATACATTTGTACACGATCCCAAGGTAATGGTGCT-3'
Protein context (NP_005723.2, residues 45-65): IIECLKYICT[Gly55Ala]DFPPGTKGNT